The following is an entry in ClinVar:

NM_000136.3(FANCC):c.911A>G (p.Glu304Gly)

Genes: FANCC (FA complementation group C; minus strand), AOPEP (aminopeptidase O (putative); plus strand). Cytogenetic location: 9q22.32.
Variant type: single nucleotide variant.
Coding change: c.911A>G on transcript NM_000136.3 (MANE Select); coding-DNA position 911, A replaced by G.
Protein change: p.Glu304Gly; replaces glutamic acid 304 with glycine.
Molecular consequence: missense variant.
Genome position (GRCh38, 1-based): chr9:95,125,171, T>C on the plus strand (A>G on the coding strand, the complement: FANCC is on the minus strand). VCF-style: chr9-95125171-T-C. GRCh37 (hg19) VCF-style: chr9-97887453-T-C.
Other names: c.911A>G, p.Glu304Gly (NM_001243743.2, NM_001243744.2); short protein forms E304G.
Identifiers: ClinVar variation 4641063 (VCV004641063.1).

ClinVar aggregate classification (germline): Uncertain significance (1 of 4 stars; one submission).

Conditions:
Hereditary cancer-predisposing syndrome. Also called: Neoplastic Syndromes, Hereditary; Tumor predisposition; Hereditary Cancer Syndrome; Hereditary neoplastic syndrome. Identifiers: Orphanet 140162, MedGen C0027672, MeSH D009386, MONDO:0015356.

gnomAD v4.1: 1 of 1,614,130 alleles (0.000062%); no homozygotes.

Submission:

Ambry Genetics
Classification: Uncertain significance for Hereditary cancer-predisposing syndrome. Last evaluated: 2025-10-08. Review status: criteria provided, single submitter. Criteria: Ambry Variant Classification Scheme 2023. Collection method: clinical testing. Allele origin: germline.
Comment: The p.E304G variant (also known as c.911A>G), located in coding exon 9 of the FANCC gene, results from an A to G substitution at nucleotide position 911. The glutamic acid at codon 304 is replaced by glycine, an amino acid with similar properties. This amino acid position is conserved. In addition, this alteration is predicted to be deleterious by in silico analysis. Based on the available evidence, the clinical significance of this variant remains unclear.